The following is an entry in ClinVar:

ClinVar aggregate classification (germline): Uncertain significance (1 of 4 stars; one submission).

Conditions:
Cardiovascular phenotype. Identifiers: MedGen CN230736.

Submission:

Ambry Genetics
Classification: Uncertain significance for Cardiovascular phenotype. Last evaluated: 2025-12-16. Review status: criteria provided, single submitter. Criteria: Ambry Variant Classification Scheme 2023. Collection method: clinical testing. Allele origin: germline.
Comment: The p.E64G variant (also known as c.191A>G), located in coding exon 2 of the NEXN gene, results from an A to G substitution at nucleotide position 191. The glutamic acid at codon 64 is replaced by glycine, an amino acid with similar properties. This amino acid position is conserved. In addition, the in silico prediction for this alteration is inconclusive. Based on the available evidence, the clinical significance of this variant remains unclear.

NM_144573.4(NEXN):c.191A>G (p.Glu64Gly)

Gene: NEXN (nexilin F-actin binding protein; plus strand). Cytogenetic location: 1p31.1.
Variant type: single nucleotide variant.
Coding change: c.191A>G on transcript NM_144573.4 (MANE Select); coding-DNA position 191, A replaced by G.
Protein change: p.Glu64Gly; replaces glutamic acid 64 with glycine.
Molecular consequence: missense variant. On other transcripts: intron variant (1).
Genome position (GRCh38, 1-based): chr1:77,917,729, A>G. VCF-style: chr1-77917729-A-G. GRCh37 (hg19) VCF-style: chr1-78383414-A-G.
Other names: c.28-231A>G (NM_001172309.2); short protein forms E64G.
Identifiers: ClinVar variation 4842057 (VCV004842057.1).